The following is an entry in ClinVar:

NM_198578.4(LRRK2):c.3749T>C (p.Leu1250Pro)

Gene: LRRK2 (leucine rich repeat kinase 2; plus strand). Cytogenetic location: 12q12.
Variant type: single nucleotide variant.
Coding change: c.3749T>C on transcript NM_198578.4 (MANE Select); coding-DNA position 3749, T replaced by C.
Protein change: p.Leu1250Pro; replaces leucine 1250 with proline.
Molecular consequence: missense variant.
Genome position (GRCh38, 1-based): chr12:40,304,106, T>C. VCF-style: chr12-40304106-T-C. GRCh37 (hg19) VCF-style: chr12-40697908-T-C.
Other names: short protein forms L1250P.
Identifiers: ClinVar variation 1734531 (VCV001734531.2), dbSNP rs2499782374, ClinGen allele CA384416873.

ClinVar aggregate classification (germline): Uncertain significance (1 of 4 stars; one submission).

Conditions:
Inborn genetic diseases. Identifiers: MedGen C0950123, MeSH D030342.

Allele frequency attached by ClinVar (database versions not stated): gnomAD exomes below 0.00001.
gnomAD v4.1: 1 of 1,613,212 alleles (0.000062%); highest among the groups gnomAD compares: Non-Finnish European, 0.000085%; no homozygotes.

Submission:

Ambry Genetics
Classification: Uncertain significance for Inborn genetic diseases. Last evaluated: 2022-06-12. Review status: criteria provided, single submitter. Criteria: Ambry Variant Classification Scheme 2023. Collection method: clinical testing. Allele origin: germline.
Comment: The p.L1250P variant (also known as c.3749T>C), located in coding exon 27 of the LRRK2 gene, results from a T to C substitution at nucleotide position 3749. The leucine at codon 1250 is replaced by proline, an amino acid with similar properties. This amino acid position is conserved. In addition, this alteration is predicted to be deleterious by in silico analysis. Since supporting evidence is limited at this time, the clinical significance of this alteration remains unclear.